The following is an entry in ClinVar:

ClinVar aggregate classification (germline): Uncertain significance (1 of 4 stars; one submission).

Submission:

GeneDx
Classification: Uncertain significance. Last evaluated: 2023-06-26. Review status: criteria provided, single submitter. Criteria: GeneDx Variant Classification Process June 2021. Collection method: clinical testing. Allele origin: germline. Affected: yes.
Comment: Not observed at significant frequency in large population cohorts (gnomAD); In silico analysis supports that this missense variant does not alter protein structure/function; Has not been previously published as pathogenic or benign to our knowledge

NM_005026.5(PIK3CD):c.1399A>C (p.Ser467Arg)

Genes: PIK3CD (phosphatidylinositol-4,5-bisphosphate 3-kinase catalytic subunit delta; plus strand), LOC126805612 (MED14-independent group 3 enhancer GRCh37_chr1:9778914-9780113; plus strand). Cytogenetic location: 1p36.22.
Variant type: single nucleotide variant.
Coding change: c.1399A>C on transcript NM_005026.5 (MANE Select); coding-DNA position 1399, A replaced by C.
Protein change: p.Ser467Arg; replaces serine 467 with arginine.
Molecular consequence: missense variant.
Genome position (GRCh38, 1-based): chr1:9,720,171, A>C. VCF-style: chr1-9720171-A-C. GRCh37 (hg19) VCF-style: chr1-9780229-A-C.
Other names: c.1399A>C, p.Ser467Arg (NM_001350234.2); c.1312A>C, p.Ser438Arg (NM_001350235.1); short protein forms S438R, S467R.
Identifiers: ClinVar variation 3360492 (VCV003360492.1).